The following is an entry in ClinVar:

NM_001242896.3(DEPDC5):c.3427G>A (p.Gly1143Arg)

Gene: DEPDC5 (DEP domain containing 5, GATOR1 subcomplex subunit; plus strand). Cytogenetic location: 22q12.3.
Variant type: single nucleotide variant.
Coding change: c.3427G>A on transcript NM_001242896.3 (MANE Select); coding-DNA position 3427, G replaced by A.
Protein change: p.Gly1143Arg; replaces glycine 1143 with arginine.
Molecular consequence: missense variant. On other transcripts: non-coding transcript variant (5).
Genome position (GRCh38, 1-based): chr22:31,870,686, G>A. VCF-style: chr22-31870686-G-A. GRCh37 (hg19) VCF-style: chr22-32266672-G-A.
Other names: c.3400G>A, p.Gly1134Arg (NM_001136029.4); c.3127G>A, p.Gly1043Arg (NM_001242897.2); c.3361G>A, p.Gly1121Arg (NM_001363852.2, NM_001364320.2); c.3193G>A, p.Gly1065Arg (NM_001363854.2, NM_001364319.2); c.3427G>A, p.Gly1143Arg (NM_001364318.2); c.3343G>A, p.Gly1115Arg (NM_001369901.1, NM_001369902.1); c.3334G>A, p.Gly1112Arg (NM_001369903.1, NM_014662.6); short protein forms G1112R, G1043R, G1115R, G1134R, G1143R, G1065R, G1121R.
Identifiers: ClinVar variation 1043883 (VCV001043883.9), dbSNP rs1479727000, ClinGen allele CA411296737.

ClinVar aggregate classification (germline): Uncertain significance. Review status: criteria provided, multiple submitters, no conflicts (2 of 4 stars). 2 submissions from 2 submitters: Uncertain significance (2). Last evaluated 2025-05-09.

Conditions:
Epilepsy, familial focal, with variable foci 1 (FFEVF1). Also called: DEPDC5-Related Epilepsy. Identifiers: MedGen C4551983, MONDO:0024556, OMIM 604364.
Familial focal epilepsy with variable foci (FPEVF). Identifiers: Orphanet 98820, MedGen C1858477, MONDO:0020310.

Allele frequency attached by ClinVar (database versions not stated): gnomAD exomes below 0.00001 and 0.00001; TOPMed 0.00001.
gnomAD v4.1: 19 of 1,603,350 alleles (0.0012%); highest among the groups gnomAD compares: Non-Finnish European, 0.0016%; no homozygotes.

Submissions (2):

Clinical Genomics Laboratory, Washington University in St. Louis
Classification: Uncertain significance for Epilepsy, familial focal, with variable foci 1. Last evaluated: 2025-05-09. Review status: criteria provided, single submitter. Criteria: ACMG Guidelines, 2015. Collection method: clinical testing. Allele origin: germline.
Comment: The DEPDC5 c.3427G>A (p.Gly1143Arg) variant, to our knowledge, has not been reported in the medical literature. This variant is only observed on 1 out of 238,790 alleles in the general population (gnomAD v2.1), indicating it is not a common variant. Computational predictors suggest that the variant does not impact DEPDC5 function. This variant has been reported in the ClinVar database as a germline variant of uncertain significance by one submitter (ClinVar Variation ID: 1043883). Due to limited information, and based on ACMG/AMP guidelines for variant interpretation (Richards S et al., PMID: 25741868), the clinical significance of this variant is uncertain at this time.

Labcorp Genetics (formerly Invitae), Labcorp
Classification: Uncertain significance for Familial focal epilepsy with variable foci. Last evaluated: 2020-04-07. Review status: criteria provided, single submitter. Criteria: Invitae Variant Classification Sherloc (09022015). Collection method: clinical testing. Allele origin: germline.
Comment: Algorithms developed to predict the effect of missense changes on protein structure and function are either unavailable or do not agree on the potential impact of this missense change (SIFT: "Deleterious"; PolyPhen-2: "Not Available"; Align-GVGD: "Class C0"). In summary, the available evidence is currently insufficient to determine the role of this variant in disease. Therefore, it has been classified as a Variant of Uncertain Significance. This variant has not been reported in the literature in individuals with DEPDC5-related conditions. This sequence change replaces glycine with arginine at codon 1143 of the DEPDC5 protein (p.Gly1143Arg). The glycine residue is moderately conserved and there is a moderate physicochemical difference between glycine and arginine. This variant is not present in population databases (ExAC no frequency).